The following is an entry in ClinVar:

NM_001854.4(COL11A1):c.4741G>A (p.Gly1581Ser)

Gene: COL11A1 (collagen type XI alpha 1 chain; minus strand). Cytogenetic location: 1p21.1.
Variant type: single nucleotide variant.
Coding change: c.4741G>A on transcript NM_001854.4 (MANE Select); coding-DNA position 4741, G replaced by A.
Protein change: p.Gly1581Ser; replaces glycine 1581 with serine.
Molecular consequence: missense variant. On other transcripts: non-coding transcript variant (1).
Genome position (GRCh38, 1-based): chr1:102,886,924, C>T on the plus strand (G>A on the coding strand, the complement: COL11A1 is on the minus strand). VCF-style: chr1-102886924-C-T. GRCh37 (hg19) VCF-style: chr1-103352480-C-T.
Other names: c.4393G>A, p.Gly1465Ser (NM_001168249.1, NM_080630.4); c.4624G>A, p.Gly1542Ser (NM_001190709.2); c.4777G>A, p.Gly1593Ser (NM_080629.3); c.4741G>A (NM_001854.3); short protein forms G1581S, G1593S, G1465S, G1542S.
Identifiers: ClinVar variation 2701199 (VCV002701199.4), dbSNP rs760545137, ClinGen allele CA341211959.

ClinVar aggregate classification (germline): Uncertain significance. Review status: criteria provided, multiple submitters, no conflicts (2 of 4 stars). 2 submissions from 2 submitters: Uncertain significance (2). Last evaluated 2025-01-07.

Conditions:
Inborn genetic diseases. Identifiers: MedGen C0950123, MeSH D030342.

Submissions (2):

Ambry Genetics
Classification: Uncertain significance for Inborn genetic diseases. Last evaluated: 2025-01-07. Review status: criteria provided, single submitter. Criteria: Ambry Variant Classification Scheme 2023. Collection method: clinical testing. Allele origin: germline.

Labcorp Genetics (formerly Invitae), Labcorp
Classification: Uncertain significance. Last evaluated: 2023-12-12. Review status: criteria provided, single submitter. Criteria: Invitae Variant Classification Sherloc (09022015). Collection method: clinical testing. Allele origin: germline.
Comment: This sequence change replaces glycine, which is neutral and non-polar, with serine, which is neutral and polar, at codon 1581 of the COL11A1 protein (p.Gly1581Ser). This variant is not present in population databases (gnomAD no frequency). This variant has not been reported in the literature in individuals affected with COL11A1-related conditions. Advanced modeling of protein sequence and biophysical properties (such as structural, functional, and spatial information, amino acid conservation, physicochemical variation, residue mobility, and thermodynamic stability) performed at Invitae indicates that this missense variant is not expected to disrupt COL11A1 protein function with a negative predictive value of 95%. In summary, the available evidence is currently insufficient to determine the role of this variant in disease. Therefore, it has been classified as a Variant of Uncertain Significance.